The following is an entry in ClinVar:

ClinVar aggregate classification (germline): Uncertain significance (1 of 4 stars; one submission).

gnomAD v4.1: 2 of 1,614,096 alleles (0.00012%); highest among the groups gnomAD compares: African/African-American, 0.0027%; no homozygotes.

Submission:

Labcorp Genetics (formerly Invitae), Labcorp
Classification: Uncertain significance. Last evaluated: 2025-08-18. Review status: criteria provided, single submitter. Criteria: Invitae Variant Classification Sherloc (09022015). Collection method: clinical testing. Allele origin: germline.
Comment: This sequence change replaces glutamic acid, which is acidic and polar, with lysine, which is basic and polar, at codon 712 of the ITGB3 protein (p.Glu712Lys). This variant also falls at the last nucleotide of exon 13, which is part of the consensus splice site for this exon. This variant is present in population databases (rs751595288, gnomAD no frequency). This variant has not been reported in the literature in individuals affected with ITGB3-related conditions. Invitae Evidence Modeling of protein sequence and biophysical properties (such as structural, functional, and spatial information, amino acid conservation, physicochemical variation, residue mobility, and thermodynamic stability) has been performed for this missense variant. However, the output from this modeling did not meet the statistical confidence thresholds required to predict the impact of this variant on ITGB3 protein function. Variants that disrupt the consensus splice site are a relatively common cause of aberrant splicing (PMID: 17576681, 9536098). In summary, the available evidence is currently insufficient to determine the role of this variant in disease. Therefore, it has been classified as a Variant of Uncertain Significance.

Literature cited by the submitters: PubMed 17576681; PubMed 9536098.

NM_000212.3(ITGB3):c.2134G>A (p.Glu712Lys)

Gene: ITGB3 (integrin subunit beta 3; plus strand). Cytogenetic location: 17q21.32.
Variant type: single nucleotide variant.
Coding change: c.2134G>A on transcript NM_000212.3 (MANE Select); coding-DNA position 2134, G replaced by A.
Protein change: p.Glu712Lys; replaces glutamic acid 712 with lysine.
Molecular consequence: missense variant.
Genome position (GRCh38, 1-based): chr17:47,302,840, G>A. VCF-style: chr17-47302840-G-A. GRCh37 (hg19) VCF-style: chr17-45380206-G-A.
Other names: short protein forms E712K.
Identifiers: ClinVar variation 4752251 (VCV004752251.1).